The following is an entry in ClinVar:

ClinVar aggregate classification (germline): Uncertain significance (1 of 4 stars; one submission).

Submission:

Labcorp Genetics (formerly Invitae), Labcorp
Classification: Uncertain significance. Last evaluated: 2021-05-06. Review status: criteria provided, single submitter. Criteria: Invitae Variant Classification Sherloc (09022015). Collection method: clinical testing. Allele origin: germline.
Comment: In summary, the available evidence is currently insufficient to determine the role of this variant in disease. Therefore, it has been classified as a Variant of Uncertain Significance. Algorithms developed to predict the effect of missense changes on protein structure and function (SIFT, PolyPhen-2, Align-GVGD) all suggest that this variant is likely to be disruptive, but these predictions have not been confirmed by published functional studies and their clinical significance is uncertain. This variant has not been reported in the literature in individuals with RAI1-related conditions. This variant is not present in population databases (ExAC no frequency). This sequence change replaces serine with proline at codon 1667 of the RAI1 protein (p.Ser1667Pro). The serine residue is highly conserved and there is a moderate physicochemical difference between serine and proline.

NM_030665.4(RAI1):c.4999T>C (p.Ser1667Pro)

Gene: RAI1 (retinoic acid induced 1; plus strand). Cytogenetic location: 17p11.2.
Variant type: single nucleotide variant.
Coding change: c.4999T>C on transcript NM_030665.4 (MANE Select); coding-DNA position 4999, T replaced by C.
Protein change: p.Ser1667Pro; replaces serine 1667 with proline.
Molecular consequence: missense variant.
Genome position (GRCh38, 1-based): chr17:17,797,947, T>C. VCF-style: chr17-17797947-T-C. GRCh37 (hg19) VCF-style: chr17-17701261-T-C.
Other names: short protein forms S1667P.
Identifiers: ClinVar variation 1351730 (VCV001351730.8), dbSNP rs2032326184, ClinGen allele CA398558110.